The following is an entry in ClinVar:

NM_024596.5(MCPH1):c.215C>T (p.Ser72Leu)

Gene: MCPH1 (microcephalin 1; plus strand). Cytogenetic location: 8p23.1.
Variant type: single nucleotide variant.
Coding change: c.215C>T on transcript NM_024596.5 (MANE Select); coding-DNA position 215, C replaced by T.
Protein change: p.Ser72Leu; replaces serine 72 with leucine.
Molecular consequence: missense variant. On other transcripts: non-coding transcript variant (1).
Genome position (GRCh38, 1-based): chr8:6,414,865, C>T. VCF-style: chr8-6414865-C-T. GRCh37 (hg19) VCF-style: chr8-6272386-C-T.
Other names: c.215C>T, p.Ser72Leu (NM_001172574.2, NM_001172575.2, NM_001322042.2 and 2 more transcripts); c.209C>T, p.Ser70Leu (NM_001322043.2); c.113C>T, p.Ser38Leu (NM_001322045.2); short protein forms S72L, S38L, S70L.
Identifiers: ClinVar variation 30641 (VCV000030641.6), dbSNP rs387906961, ClinGen allele CA259873.

ClinVar aggregate classification (germline): Pathogenic/Likely pathogenic. Review status: criteria provided, multiple submitters, no conflicts (2 of 4 stars). 5 submissions from 5 submitters: Pathogenic (1); Likely pathogenic (3). 1 of the submissions does not count toward it. Last evaluated 2026-01-29.

Conditions:
Autosomal recessive primary microcephaly. Identifiers: Orphanet 2512, MedGen C3711387, MONDO:0016660.
Microcephaly 1, primary, autosomal recessive (MCPH1). Also called: PREMATURE CHROMOSOME CONDENSATION SYNDROME; PCC SYNDROME; PREMATURE CHROMOSOME CONDENSATION WITH MICROCEPHALY AND MENTAL RETARDATION. Identifiers: Orphanet 2512, MedGen C1855081, MONDO:0009617, OMIM 251200.

Allele frequency attached by ClinVar (database versions not stated): gnomAD 0.00001; gnomAD exomes 0.00001; TOPMed 0.00001; ExAC 0.00002.
gnomAD v4.1: 14 of 1,613,304 alleles (0.00087%); highest among the groups gnomAD compares: East Asian, 0.0022%; no homozygotes.

Submissions (5):

Myriad Genetics, Inc.
Classification: Likely pathogenic for Microcephaly 1, primary, autosomal recessive. Last evaluated: 2026-01-29. Review status: criteria provided, single submitter. Criteria: Myriad Autosomal Dominant, Autosomal Recessive and X-Linked Classification Criteria (2023). Collection method: clinical testing. Allele origin: unknown.
Comment: NM_024596.3(MCPH1):c.215C>T(S72L) is a missense variant classified as likely pathogenic in the context of primary microcephaly, MCPH1-related. S72L has been observed in cases with relevant disease (PMID: 20978018, 22855649, 31130284). Relevant functional assessments of this variant are not available in the literature. Internal structural analysis of the variant is supportive of pathogenicity. S72L has been observed in referenced population frequency databases. In summary, NM_024596.3(MCPH1):c.215C>T(S72L) is a missense variant that has internal structural support for pathogenicity and has been observed more frequently in cases with the relevant disease than in healthy populations. Please note: this variant was assessed in the context of healthy population screening.

Fulgent Genetics
Classification: Likely pathogenic for Microcephaly 1, primary, autosomal recessive. Last evaluated: 2024-04-22. Review status: criteria provided, single submitter. Criteria: ACMG Guidelines, 2015. Collection method: clinical testing. Allele origin: germline.

Women's Health and Genetics/Laboratory Corporation of America, LabCorp
Classification: Likely pathogenic for Autosomal recessive primary microcephaly. Last evaluated: 2024-04-18. Review status: criteria provided, single submitter. Criteria: LabCorp Variant Classification Summary - May 2015. Collection method: clinical testing. Allele origin: germline.
Comment: Variant summary: MCPH1 c.215C>T (p.Ser72Leu) results in a non-conservative amino acid change in the encoded protein sequence. Four of five in-silico tools predict a damaging effect of the variant on protein function. The variant allele was found at a frequency of 8e-06 in 249536 control chromosomes. c.215C>T has been reported in the literature in individuals affected with Primary microcephaly with homozygous or unreported genotypes (e.g. Darvish_2010, Ghani-Kakhi_2012, Monies_2019). These data indicate that the variant is likely to be associated with disease. To our knowledge, no experimental evidence demonstrating an impact on protein function has been reported. The following publications have been ascertained in the context of this evaluation (PMID: 20978018, 22855649, 31130284). ClinVar contains an entry for this variant (Variation ID: 30641). Based on the evidence outlined above, the variant was classified as likely pathogenic.

Centre of Medical Genetics, University Hospital Muenster
Classification: Pathogenic. Last evaluated: 2021-12-16. Review status: criteria provided, single submitter. Criteria: ACMG Guidelines, 2015. Collection method: clinical testing. Allele origin: unknown. Affected: yes. Observed: 1 variant allele, 1 heterozygote.
Comment: ACMG categories: PM1,PM2,PM3,PP3,PP5

OMIM
Classification: Pathogenic for MICROCEPHALY 1, PRIMARY, AUTOSOMAL RECESSIVE. Last evaluated: 2010-12-01. Review status: no assertion criteria provided. Collection method: literature only. Allele origin: germline. Not counted in ClinVar's aggregate classification.

Literature cited by the submitters: PubMed 20978018 (cited by 4 submitters); PubMed 22855649 (cited by Myriad Genetics, Inc. and Women's Health and Genetics/Laboratory Corporation of America, LabCorp); PubMed 31130284 (cited by Myriad Genetics, Inc. and Women's Health and Genetics/Laboratory Corporation of America, LabCorp).